The following is an entry in ClinVar:

NM_024757.5(EHMT1):c.1931A>C (p.Lys644Thr)

Gene: EHMT1 (euchromatic histone lysine methyltransferase 1; plus strand). Cytogenetic location: 9q34.3.
Variant type: single nucleotide variant.
Coding change: c.1931A>C on transcript NM_024757.5 (MANE Select); coding-DNA position 1931, A replaced by C.
Protein change: p.Lys644Thr; replaces lysine 644 with threonine.
Molecular consequence: missense variant.
Genome position (GRCh38, 1-based): chr9:137,776,757, A>C. VCF-style: chr9-137776757-A-C. GRCh37 (hg19) VCF-style: chr9-140671209-A-C.
Other names: c.1931A>C, p.Lys644Thr (NM_001145527.2); c.1838A>C, p.Lys613Thr (NM_001354259.2); c.1910A>C, p.Lys637Thr (NM_001354263.2); short protein forms K644T, K613T, K637T.
Identifiers: ClinVar variation 1672877 (VCV001672877.9), dbSNP rs767536068, ClinGen allele CA5374758.

ClinVar aggregate classification (germline): Conflicting classifications of pathogenicity. Review status: criteria provided, conflicting classifications (1 of 4 stars). 2 submissions from 2 submitters: Uncertain significance (1); Likely benign (1). Last evaluated 2025-11-08.

Conditions:
Kleefstra syndrome 1 (KLEFS1). Identifiers: Orphanet 261494, MedGen C0795833, MONDO:0027407, OMIM 610253.

Allele frequency attached by ClinVar (database versions not stated): ExAC 0.00001; TOPMed 0.00001; gnomAD 0.00001; gnomAD exomes 0.00001.
gnomAD v4.1: 5 of 1,613,932 alleles (0.00031%); highest among the groups gnomAD compares: African/African-American, 0.0013%; no homozygotes.

Submissions (2):

Labcorp Genetics (formerly Invitae), Labcorp
Classification: Likely benign for Kleefstra syndrome 1. Last evaluated: 2025-11-08. Review status: criteria provided, single submitter. Criteria: Invitae Variant Classification Sherloc (09022015). Collection method: clinical testing. Allele origin: germline.

Women's Health and Genetics/Laboratory Corporation of America, LabCorp
Classification: Uncertain significance. Last evaluated: 2025-03-13. Review status: criteria provided, single submitter. Criteria: LabCorp Variant Classification Summary - May 2015. Collection method: clinical testing. Allele origin: germline.
Comment: Variant summary: EHMT1 c.1931A>C (p.Lys644Thr) results in a non-conservative amino acid change in the encoded protein sequence. Three of five in-silico tools predict a benign effect of the variant on protein function. The variant allele was found at a frequency of 8e-06 in 251456 control chromosomes. The available data on variant occurrences in the general population are insufficient to allow any conclusion about variant significance. To our knowledge, no occurrence of c.1931A>C in individuals affected with Kleefstra Syndrome 1 and no experimental evidence demonstrating its impact on protein function have been reported. ClinVar contains an entry for this variant (Variation ID: 1672877). Based on the evidence outlined above, the variant was classified as uncertain significance.